The following is an entry in ClinVar:

ClinVar aggregate classification (germline): Uncertain significance (1 of 4 stars; one submission).

gnomAD v4.1: 1 of 1,591,758 alleles (0.000063%); highest among the groups gnomAD compares: African/African-American, 0.0013%; no homozygotes.

Submission:

Ambry Genetics
Classification: Uncertain significance. Last evaluated: 2024-10-14. Review status: criteria provided, single submitter. Criteria: Ambry Variant Classification Scheme 2023. Collection method: clinical testing. Allele origin: germline.
Comment: The p.P1880S variant (also known as c.5638C>T), located in coding exon 17 of the POLQ gene, results from a C to T substitution at nucleotide position 5638. The proline at codon 1880 is replaced by serine, an amino acid with similar properties. This amino acid position is conserved. In addition, this alteration is predicted to be tolerated by in silico analysis. Based on the available evidence, the clinical significance of this variant remains unclear.

NM_199420.4(POLQ):c.5638C>T (p.Pro1880Ser)

Gene: POLQ (DNA polymerase theta; minus strand). Cytogenetic location: 3q13.33.
Variant type: single nucleotide variant.
Coding change: c.5638C>T on transcript NM_199420.4 (MANE Select); coding-DNA position 5638, C replaced by T.
Protein change: p.Pro1880Ser; replaces proline 1880 with serine.
Molecular consequence: missense variant.
Genome position (GRCh38, 1-based): chr3:121,485,176, G>A on the plus strand (C>T on the coding strand, the complement: POLQ is on the minus strand). VCF-style: chr3-121485176-G-A. GRCh37 (hg19) VCF-style: chr3-121204023-G-A.
Other names: short protein forms P1880S.
Identifiers: ClinVar variation 3422329 (VCV003422329.1).
Genomic context (GRCh38, chr3:121,485,176, plus strand): 5'-CCAAGGTGTCATCACAACCTTTAATGGGAAATCCATCATCTCTAATAGGAATTTCCTGAG[G>A]TGAGCTAGCTAAGTAAAACAAAAGTGAAACAGTTAAAAATCTCTAAAAATAAAGACATTA-3'
Protein context (NP_955452.3, residues 1870-1890): IGSRFKQASS[Pro1880Ser]QEIPIRDDGF